The following is an entry in ClinVar:

NM_001349338.3(FOXP1):c.1438G>A (p.Glu480Lys)

Genes: FOXP1 (forkhead box P1; minus strand), LOC126806714 (BRD4-independent group 4 enhancer GRCh37_chr3:71025197-71026396; plus strand). Cytogenetic location: 3p13.
Variant type: single nucleotide variant.
Coding change: c.1438G>A on transcript NM_001349338.3 (MANE Select); coding-DNA position 1438, G replaced by A.
Protein change: p.Glu480Lys; replaces glutamic acid 480 with lysine.
Molecular consequence: missense variant. On other transcripts: non-coding transcript variant (2).
Genome position (GRCh38, 1-based): chr3:70,977,033, C>T on the plus strand (G>A on the coding strand, the complement: FOXP1 is on the minus strand). VCF-style: chr3-70977033-C-T. GRCh37 (hg19) VCF-style: chr3-71026184-C-T.
Other names: c.1135G>A, p.Glu379Lys (NM_001349344.3, NM_001370548.1, NM_001349337.2 and 1 more transcripts); c.1438G>A, p.Glu480Lys (NM_032682.6, NM_001244814.3, NM_001244816.2 and 3 more transcripts); c.1138G>A, p.Glu380Lys (NM_001244815.2, NM_001349342.3, NM_001244813.3); c.1435G>A, p.Glu479Lys (NM_001349341.3, NM_001244808.3); c.1210G>A, p.Glu404Lys (NM_001244812.3); short protein forms E379K, E380K, E404K, E479K, E480K.
Identifiers: ClinVar variation 2632670 (VCV002632670.4), dbSNP rs1434208843, ClinGen allele CA353493143.
Genomic context (GRCh38, chr3:70,977,033, plus strand): 5'-CAAACATTCGTGTGAACCAGTTATAGATCTCATTTAGTGTTAGCTGCTTTTCTGGAGATT[C>T]GAGAATGGCCTGTGAAGCAGAATGTAACAGAAGATAATTTATGACCAAATCAGCAGAGTC-3'
Protein context (NP_001336267.1, residues 470-490): YASLIRQAIL[Glu480Lys]SPEKQLTLNE

ClinVar aggregate classification (germline): Conflicting classifications of pathogenicity. Review status: criteria provided, conflicting classifications (1 of 4 stars). 2 submissions from 2 submitters: Likely pathogenic (1); Uncertain significance (1). Last evaluated 2023-05-24.

Conditions:
FOXP1-related disorder. Also called: FOXP1-related condition.

gnomAD v4.1: 1 of 1,610,778 alleles (0.000062%); highest among the groups gnomAD compares: Non-Finnish European, 0.000085%; no homozygotes.

Submissions (2):

PreventionGenetics, part of Exact Sciences
Classification: Likely pathogenic for FOXP1-related condition. Last evaluated: 2023-05-24. Review status: criteria provided, single submitter. Criteria: ACMG Guidelines, 2015. Collection method: clinical testing. Allele origin: germline.
Comment: The FOXP1 c.1438G>A variant is predicted to result in the amino acid substitution p.Glu480Lys. This variant has been reported as de novo in a patient with a neurodevelopmental disorder (Han et al. 2019. PubMed ID: 31199603). This variant has not been reported in a large population database, indicating this variant is rare. This variant is interpreted as likely pathogenic.

Labcorp Genetics (formerly Invitae), Labcorp
Classification: Uncertain significance. Last evaluated: 2023-03-01. Review status: criteria provided, single submitter. Criteria: Invitae Variant Classification Sherloc (09022015). Collection method: clinical testing. Allele origin: germline.
Comment: In summary, the available evidence is currently insufficient to determine the role of this variant in disease. Therefore, it has been classified as a Variant of Uncertain Significance. Studies have shown that this missense change alters FOXP1 gene expression (PMID: 31199603). Advanced modeling of protein sequence and biophysical properties (such as structural, functional, and spatial information, amino acid conservation, physicochemical variation, residue mobility, and thermodynamic stability) has been performed at Invitae for this missense variant, however the output from this modeling did not meet the statistical confidence thresholds required to predict the impact of this variant on FOXP1 protein function. This missense change has been observed in individual(s) with intellectual disability and speech delay (PMID: 31199603). This variant is not present in population databases (gnomAD no frequency). This sequence change replaces glutamic acid, which is acidic and polar, with lysine, which is basic and polar, at codon 480 of the FOXP1 protein (p.Glu480Lys).

Literature cited by the submitters: PubMed 31199603 (cited by Labcorp Genetics (formerly Invitae), Labcorp).